The following is an entry in ClinVar:

ClinVar aggregate classification (germline): Uncertain significance (1 of 4 stars; one submission).

Conditions:
Short-rib thoracic dysplasia 13 with or without polydactyly (SRTD13). Identifiers: Orphanet 474, MedGen C4225378, MONDO:0014577, OMIM 616300.

Allele frequency attached by ClinVar (database versions not stated): TOPMed 0.00018.
gnomAD v4.1: 41 of 1,614,028 alleles (0.0025%); highest among the groups gnomAD compares: African/African-American, 0.051%; no homozygotes.

Submission:

Labcorp Genetics (formerly Invitae), Labcorp
Classification: Uncertain significance for Short-rib thoracic dysplasia 13 with or without polydactyly. Last evaluated: 2022-08-22. Review status: criteria provided, single submitter. Criteria: Invitae Variant Classification Sherloc (09022015). Collection method: clinical testing. Allele origin: germline.
Comment: This sequence change replaces arginine, which is basic and polar, with leucine, which is neutral and non-polar, at codon 260 of the CEP120 protein (p.Arg260Leu). This variant is present in population databases (rs189429890, gnomAD 0.03%). This variant has not been reported in the literature in individuals affected with CEP120-related conditions. ClinVar contains an entry for this variant (Variation ID: 837506). Algorithms developed to predict the effect of missense changes on protein structure and function are either unavailable or do not agree on the potential impact of this missense change (SIFT: "Deleterious"; PolyPhen-2: "Benign"; Align-GVGD: "Class C0"). In summary, the available evidence is currently insufficient to determine the role of this variant in disease. Therefore, it has been classified as a Variant of Uncertain Significance.

NM_001375405.1(CEP120):c.779G>T (p.Arg260Leu)

Gene: CEP120 (centrosomal protein 120; minus strand). Cytogenetic location: 5q23.2.
Variant type: single nucleotide variant.
Coding change: c.779G>T on transcript NM_001375405.1 (MANE Select); coding-DNA position 779, G replaced by T.
Protein change: p.Arg260Leu; replaces arginine 260 with leucine.
Molecular consequence: missense variant. On other transcripts: non-coding transcript variant (1).
Genome position (GRCh38, 1-based): chr5:123,393,331, C>A on the plus strand (G>T on the coding strand, the complement: CEP120 is on the minus strand). VCF-style: chr5-123393331-C-A. GRCh37 (hg19) VCF-style: chr5-122729025-C-A.
Other names: c.701G>T, p.Arg234Leu (NM_001166226.2); c.779G>T, p.Arg260Leu (NM_001375406.1, NM_001375407.1, NM_153223.4); c.206G>T, p.Arg69Leu (NM_001375408.1, NM_001375409.1); short protein forms R234L, R260L, R69L.
Identifiers: ClinVar variation 837506 (VCV000837506.5), dbSNP rs189429890, ClinGen allele CA3387143.